The following is an entry in ClinVar:

ClinVar aggregate classification (germline): Benign. Review status: criteria provided, multiple submitters, no conflicts (2 of 4 stars). 5 submissions from 5 submitters: Benign (5). Last evaluated 2026-09-21.

Conditions:
Sudden cardiac failure, infantile (SCFI). Identifiers: MedGen C4310664, MONDO:0014973, OMIM 617222.

Allele frequency attached by ClinVar (database versions not stated): 1000 Genomes Project 30x 0.43707; 1000 Genomes Project 0.44509; TOPMed 0.37834; ESP Exome Variant Server 0.19643.
gnomAD v4.1: 653,594 of 1,495,308 alleles (44%); highest among the groups gnomAD compares: East Asian, 69%; 144,270 homozygotes.

Submissions (5):

Molecular Diagnostic Laboratory for Inherited Cardiovascular Disease, Montreal Heart Institute
Classification: Benign. Last evaluated: 2026-09-21. Review status: criteria provided, single submitter. Criteria: ACMG Guidelines, 2015. Collection method: clinical testing. Allele origin: germline. Affected: no.
Comment: BA1

Labcorp Genetics (formerly Invitae), Labcorp
Classification: Benign. Last evaluated: 2026-02-04. Review status: criteria provided, single submitter. Criteria: Invitae Variant Classification Sherloc (09022015). Collection method: clinical testing. Allele origin: germline.

Blueprint Genetics
Classification: Benign. Last evaluated: 2024-11-26. Review status: criteria provided, single submitter. Criteria: ACMG Guidelines, 2015. Collection method: clinical testing. Allele origin: germline.

Genome-Nilou Lab
Classification: Benign for Sudden cardiac failure, infantile. Last evaluated: 2021-10-25. Review status: criteria provided, single submitter. Criteria: ACMG Guidelines, 2015. Collection method: clinical testing. Allele origin: germline. Affected: no.

Breakthrough Genomics
Classification: Benign. Review status: criteria provided, single submitter. Criteria: ACMG Guidelines, 2015. Collection method: not provided. Allele origin: germline. Inheritance: Autosomal recessive inheritance. Affected: yes.

NM_176869.3(PPA2):c.442-16A>T

Gene: PPA2 (inorganic pyrophosphatase 2; minus strand). Cytogenetic location: 4q24.
Variant type: single nucleotide variant.
Coding change: c.442-16A>T on transcript NM_176869.3 (MANE Select); 16 bases into the intron before coding-DNA position 442, A replaced by T.
Molecular consequence: intron variant.
Genome position (GRCh38, 1-based): chr4:105,438,052, T>A on the plus strand (A>T on the coding strand, the complement: PPA2 is on the minus strand). VCF-style: chr4-105438052-T-A. GRCh37 (hg19) VCF-style: chr4-106359209-T-A.
Other names: c.157+35842A>T (NM_176867.3); c.223-13730A>T (NM_176866.2); c.441+8331A>T (NM_006903.4).
Identifiers: ClinVar variation 1327438 (VCV001327438.13), dbSNP rs2713862, ClinGen allele CA3032532.
Genomic context (GRCh38, chr4:105,438,052, plus strand): 5'-AAAGCAGTTCGTGCTCTTATCTTTTTCATGGGGATCTTCCCAAGTCTAAAATTTTTTTTT[T>A]AAAAAAAAGCAGAAATGTAAGTTAATACTATAATGTACTTTAATCTTTCCACATAATCAC-3'